The following is an entry in ClinVar:

ClinVar aggregate classification (germline): Conflicting classifications of pathogenicity. Review status: criteria provided, conflicting classifications (1 of 4 stars). 4 submissions from 4 submitters: Uncertain significance (1); Likely benign (2). 1 of the submissions does not count toward it. Last evaluated 2026-04-01.

Conditions:
Developmental and epileptic encephalopathy, 53. Also called: Epileptic encephalopathy, early infantile, 53. Identifiers: MedGen C4479313, MONDO:0033362, OMIM 617389.
Early-onset Parkinson disease 20. Also called: PARKINSON DISEASE 20, AUTOSOMAL RECESSIVE EARLY-ONSET. Identifiers: Orphanet 391411, MedGen C3809824, MONDO:0014233, OMIM 615530.
SYNJ1-related disorder. Also called: SYNJ1-related condition.

Allele frequency attached by ClinVar (database versions not stated): ExAC 0.00015; gnomAD exomes 0.00008 and 0.00018; gnomAD 0.00005 and 0.00006; ESP Exome Variant Server 0.00008; TOPMed 0.00006.
gnomAD v4.1: 137 of 1,613,278 alleles (0.0085%); highest among the groups gnomAD compares: African/African-American, 0.0027%; no homozygotes.

Submissions (4):

GeneDx
Classification: Uncertain significance. Last evaluated: 2026-04-01. Review status: criteria provided, single submitter. Criteria: GeneDx Variant Classification Process June 2021. Collection method: clinical testing. Allele origin: germline.
Comment: In silico analysis suggests that this missense variant does not alter protein structure/function; Has not been previously published as pathogenic or benign to our knowledge

Mayo Clinic Laboratories, Mayo Clinic
Classification: Likely benign. Last evaluated: 2025-11-27. Review status: criteria provided, single submitter. Criteria: ACMG Guidelines, 2015. Collection method: clinical testing. Allele origin: germline. Observed: 2 variant alleles.
Comment: BS1, BP4

Labcorp Genetics (formerly Invitae), Labcorp
Classification: Likely benign for Developmental and epileptic encephalopathy, 53; Early-onset Parkinson disease 20. Last evaluated: 2025-05-02. Review status: criteria provided, single submitter. Criteria: Invitae Variant Classification Sherloc (09022015). Collection method: clinical testing. Allele origin: germline.

PreventionGenetics, part of Exact Sciences
Classification: Likely benign for SYNJ1-related condition. Last evaluated: 2023-12-29. Review status: no assertion criteria provided. Collection method: clinical testing. Allele origin: germline. Not counted in ClinVar's aggregate classification.
Comment: This variant is classified as likely benign based on ACMG/AMP sequence variant interpretation guidelines (Richards et al. 2015 PMID: 25741868, with internal and published modifications).

NM_203446.3(SYNJ1):c.1045A>G (p.Ser349Gly)

Gene: SYNJ1 (synaptojanin 1; minus strand). Cytogenetic location: 21q22.11.
Variant type: single nucleotide variant.
Coding change: c.1045A>G on transcript NM_203446.3 (MANE Select); coding-DNA position 1045, A replaced by G.
Protein change: p.Ser349Gly; replaces serine 349 with glycine.
Molecular consequence: missense variant.
Genome position (GRCh38, 1-based): chr21:32,685,821, T>C on the plus strand (A>G on the coding strand, the complement: SYNJ1 is on the minus strand). VCF-style: chr21-32685821-T-C. GRCh37 (hg19) VCF-style: chr21-34058131-T-C.
Other names: p.Ser388Gly; c.1045A>G, p.Ser349Gly (NM_001160302.2, NM_001160306.2); c.1162A>G, p.Ser388Gly (NM_003895.4); short protein forms S349G, S388G.
Identifiers: ClinVar variation 1113763 (VCV001113763.13), dbSNP rs202234473, ClinGen allele CA10003980.
Genomic context (GRCh38, chr21:32,685,821, plus strand): 5'-TTCCATTGAAATAAAAAAATCCATAATCTAGAAACTTCTGGACTTGAGGTTTAAGAACAC[T>C]ATGTAATTTTTCTGCCTTTCCTCCCTTAACCATTTGATGATAGTCAAAATTCACCATCTG-3'
Protein context (NP_982271.3, residues 339-359): VKGGKAEKLH[Ser349Gly]VLKPQVQKFL